The following is an entry in ClinVar:

NM_001386795.1(DTNA):c.2128A>G (p.Ser710Gly)

Gene: DTNA (dystrobrevin alpha; plus strand). Cytogenetic location: 18q12.1.
Variant type: single nucleotide variant.
Coding change: c.2128A>G on transcript NM_001386795.1 (MANE Select); coding-DNA position 2128, A replaced by G.
Protein change: p.Ser710Gly; replaces serine 710 with glycine.
Molecular consequence: missense variant.
Genome position (GRCh38, 1-based): chr18:34,879,685, A>G. VCF-style: chr18-34879685-A-G. GRCh37 (hg19) VCF-style: chr18-32459649-A-G.
Other names: c.1864A>G, p.Ser622Gly (NM_001386769.1, NM_001386768.1); c.2128A>G, p.Ser710Gly (NM_001386788.1); c.2047A>G, p.Ser683Gly (NM_001390.5); c.1876A>G, p.Ser626Gly (NM_032975.4, NM_001386761.1); c.991A>G, p.Ser331Gly (NM_032980.4); c.1957A>G, p.Ser653Gly (NM_001386756.1, NM_001386757.1, NM_001386758.1 and 3 more transcripts); c.1954A>G, p.Ser652Gly (NM_001386760.1); c.1873A>G, p.Ser625Gly (NM_001386762.1); and 5 more; short protein forms S622G, S623G, S652G, S710G, S331G, S392G, S626G, S653G.
Identifiers: ClinVar variation 3697684 (VCV003697684.2).
Genomic context (GRCh38, chr18:34,879,685, plus strand): 5'-CCAACCTCTGAAAAGGCTTTTCTAGCGCAAATCCATGCCCGAAAACCTGGGTACATTCAC[A>G]GTGGAGCTACCACAAGTACCATGCGTGGCGACATGTGAGTATCTTCCGCTTGGAAGCATT-3'
Protein context (NP_001373724.1, residues 700-720): IHARKPGYIH[Ser710Gly]GATTSTMRGD

ClinVar aggregate classification (germline): Uncertain significance (1 of 4 stars; one submission).

Conditions:
Left ventricular noncompaction 1 (LVNC1). Also called: LEFT VENTRICULAR NONCOMPACTION 1 WITH OR WITHOUT CONGENITAL HEART DEFECTS. Identifiers: Orphanet 54260, MedGen C1858725, MONDO:0011403, OMIM 604169.

gnomAD v4.1: 6 of 1,614,004 alleles (0.00037%); highest among the groups gnomAD compares: African/African-American, 0.0027%; no homozygotes.

Submission:

Labcorp Genetics (formerly Invitae), Labcorp
Classification: Uncertain significance for Left ventricular noncompaction 1. Last evaluated: 2025-03-30. Review status: criteria provided, single submitter. Criteria: Invitae Variant Classification Sherloc (09022015). Collection method: clinical testing. Allele origin: germline.
Comment: This sequence change replaces serine, which is neutral and polar, with glycine, which is neutral and non-polar, at codon 683 of the DTNA protein (p.Ser683Gly). This variant is present in population databases (no rsID available, gnomAD 0.007%). This variant has not been reported in the literature in individuals affected with DTNA-related conditions. An algorithm developed to predict the effect of missense changes on protein structure and function outputs the following: PolyPhen-2: "Benign". The glycine amino acid residue is found in multiple mammalian species, which suggests that this missense change does not adversely affect protein function. In summary, the available evidence is currently insufficient to determine the role of this variant in disease. Therefore, it has been classified as a Variant of Uncertain Significance.